The following is an entry in ClinVar:

ClinVar aggregate classification (germline): Conflicting classifications of pathogenicity. Review status: criteria provided, conflicting classifications (1 of 4 stars). 3 submissions from 3 submitters: Uncertain significance (2); Likely benign (1). Last evaluated 2025-07-01.

Conditions:
Hereditary cancer-predisposing syndrome. Also called: Neoplastic Syndromes, Hereditary; Hereditary Cancer Syndrome; Tumor predisposition; Hereditary neoplastic syndrome. Identifiers: Orphanet 140162, MedGen C0027672, MeSH D009386, MONDO:0015356.
Familial cancer of breast. Also called: Hereditary breast cancer; BREAST CANCER, FAMILIAL; hereditary breast carcinoma. Identifiers: Orphanet 227535, MedGen C0346153, MONDO:0016419, OMIM 114480. Disease mechanism: loss of function.
Fanconi anemia complementation group J. Also called: BRIP1-Related Fanconi Anemia. Identifiers: Orphanet 84, MedGen C1836860, MONDO:0012187, OMIM 609054.

Allele frequency attached by ClinVar (database versions not stated): gnomAD exomes below 0.00001; ExAC 0.00001.
gnomAD v4.1: 1 of 1,614,066 alleles (0.000062%); highest among the groups gnomAD compares: Non-Finnish European, 0.000085%; no homozygotes.

Submissions (3):

Quest Diagnostics Nichols Institute San Juan Capistrano
Classification: Uncertain significance. Last evaluated: 2025-07-01. Review status: criteria provided, single submitter. Criteria: Quest Diagnostics criteria. Collection method: clinical testing. Allele origin: unknown.
Comment: The BRIP1 c.1951A>G (p.Ile651Val) variant has not been reported in individuals with BRIP1-related conditions in the published literature. The frequency of this variant in the general population (Genome Aggregation Database) is uninformative in the assessment of its pathogenicity. Analysis of this variant using bioinformatics tools for the prediction of the effect of amino acid changes on protein structure and function yielded predictions that this variant is benign. Based on the available information, we are unable to determine the clinical significance of this variant.

Ambry Genetics
Classification: Likely benign for Hereditary cancer-predisposing syndrome. Last evaluated: 2024-06-24. Review status: criteria provided, single submitter. Criteria: Ambry Variant Classification Scheme 2023. Collection method: clinical testing. Allele origin: germline.

Labcorp Genetics (formerly Invitae), Labcorp
Classification: Uncertain significance for Familial cancer of breast; Fanconi anemia complementation group J. Last evaluated: 2021-11-24. Review status: criteria provided, single submitter. Criteria: Invitae Variant Classification Sherloc (09022015). Collection method: clinical testing. Allele origin: germline.
Comment: In summary, the available evidence is currently insufficient to determine the role of this variant in disease. Therefore, it has been classified as a Variant of Uncertain Significance. Algorithms developed to predict the effect of missense changes on protein structure and function output the following: SIFT: "Tolerated"; PolyPhen-2: "Benign"; Align-GVGD: "Class C0". The valine amino acid residue is found in multiple mammalian species, which suggests that this missense change does not adversely affect protein function. This variant has not been reported in the literature in individuals affected with BRIP1-related conditions. This variant is present in population databases (rs778867622, gnomAD 0.0009%). This sequence change replaces isoleucine, which is neutral and non-polar, with valine, which is neutral and non-polar, at codon 651 of the BRIP1 protein (p.Ile651Val).

NM_032043.3(BRIP1):c.1951A>G (p.Ile651Val)

Gene: BRIP1 (BRCA1 interacting DNA helicase 1; minus strand). Cytogenetic location: 17q23.2.
Variant type: single nucleotide variant.
Coding change: c.1951A>G on transcript NM_032043.3 (MANE Select); coding-DNA position 1951, A replaced by G.
Protein change: p.Ile651Val; replaces isoleucine 651 with valine.
Molecular consequence: missense variant.
Genome position (GRCh38, 1-based): chr17:61,776,547, T>C on the plus strand (A>G on the coding strand, the complement: BRIP1 is on the minus strand). VCF-style: chr17-61776547-T-C. GRCh37 (hg19) VCF-style: chr17-59853908-T-C.
Other names: c.1951A>G (NM_032043.2); short protein forms I651V.
Identifiers: ClinVar variation 1462849 (VCV001462849.9), dbSNP rs778867622, ClinGen allele CA8690617.
Genomic context (GRCh38, chr17:61,776,547, plus strand): 5'-CAAATGTTTCAGTATTCTGGAAGGTAGCACAGAGATTCCGACCCTTGGGGCCTGACCCAA[T>C]GGTACCAACCCAAACCTAGAATATGAATATGTCATTATTAGAGTTATGCCTGAAAAAGGC-3'
Protein context (NP_114432.2, residues 641-661): IKNSQVWVGT[Ile651Val]GSGPKGRNLC